The following is an entry in ClinVar:

NM_174936.4(PCSK9):c.954C>T (p.Phe318=)

Gene: PCSK9 (proprotein convertase subtilisin/kexin type 9; plus strand). Cytogenetic location: 1p32.3.
Variant type: single nucleotide variant.
Coding change: c.954C>T on transcript NM_174936.4 (MANE Select); coding-DNA position 954, C replaced by T.
Protein change: p.Phe318=; no amino-acid change (phenylalanine 318 retained).
Molecular consequence: synonymous variant. On other transcripts: non-coding transcript variant (8).
Genome position (GRCh38, 1-based): chr1:55,056,147, C>T. VCF-style: chr1-55056147-C-T. GRCh37 (hg19) VCF-style: chr1-55521820-C-T.
Other names: c.579C>T, p.Phe193= (NM_001407246.1); c.954C>T, p.Phe318= (NM_001407247.1, NM_001407241.1, NM_001407244.1); c.1077C>T, p.Phe359= (NM_001407240.1); c.957C>T, p.Phe319= (NM_001407242.1); c.897C>T, p.Phe299= (NM_001407243.1); c.762C>T, p.Phe254= (NM_001407245.1).
Identifiers: ClinVar variation 1767340 (VCV001767340.5), dbSNP rs1282082948, ClinGen allele CA417959952.
Genomic context (GRCh38, chr1:55,056,147, plus strand): 5'-CGCCGCCTGCCAGCGCCTGGCGAGGGCTGGGGTCGTGCTGGTCACCGCTGCCGGCAACTT[C>T]CGGGACGATGCCTGCCTCTACTCCCCAGCCTCAGCTCCCGAGGTAGGTGCTGGGGCTGCT-3'
Protein context (NP_777596.2, residues 308-328): GVVLVTAAGN[Phe318=]RDDACLYSPA

ClinVar aggregate classification (germline): Likely benign. Review status: criteria provided, multiple submitters, no conflicts (2 of 4 stars). 3 submissions from 3 submitters: Likely benign (3). Last evaluated 2023-06-08.

Conditions:
Hypercholesterolemia, autosomal dominant, 3 (FHCL3). Also called: Familial Hypercholesterolemia, Autosomal Dominant, 3; PCSK9-Related Familial Hypercholesterolemia, Autosomal Dominant; Familial hypercholesterolemia 3. Identifiers: MedGen C1863551, MONDO:0011369, OMIM 603776.
Cardiovascular phenotype. Identifiers: MedGen CN230736.
Familial hypercholesterolemia. Also called: Familial hypercholesterolemias; Familial hypercholesterolaemia. Identifiers: MedGen C0020445, MONDO:0005439.

Allele frequency attached by ClinVar (database versions not stated): TOPMed below 0.00001; gnomAD 0.00001.

Submissions (3):

All of Us Research Program, National Institutes of Health
Classification: Likely benign for Hypercholesterolemia, autosomal dominant, 3. Last evaluated: 2023-06-08. Review status: criteria provided, single submitter. Criteria: ACMG Guidelines, 2015. Collection method: clinical testing. Allele origin: germline. Inheritance: Autosomal dominant inheritance. Observed: 2 variant alleles, 2 heterozygotes.
Comment: This study involves interpretation of variants in research participants for the purpose of population health screening. Participant phenotype was not available at the time of variant classification. Additional details can be found in publication PMID: 35346344, PMCID: PMC8962531

Ambry Genetics
Classification: Likely benign for Cardiovascular phenotype. Last evaluated: 2021-10-06. Review status: criteria provided, single submitter. Criteria: Ambry Variant Classification Scheme 2023. Collection method: clinical testing. Allele origin: germline.

Color Diagnostics, LLC DBA Color Health
Classification: Likely benign for Familial hypercholesterolemia. Last evaluated: 2018-07-16. Review status: criteria provided, single submitter. Criteria: ACMG Guidelines, 2015. Collection method: clinical testing. Allele origin: germline.